The following is an entry in ClinVar:

ClinVar aggregate classification (germline): Likely benign (1 of 4 stars; one submission).

Conditions:
PKD1-related disorder. Also called: PKD1-related condition.

gnomAD v4.1: 43 of 1,571,846 alleles (0.0027%); highest among the groups gnomAD compares: Middle Eastern, 0.023%; no homozygotes.

Submission:

PreventionGenetics, part of Exact Sciences
Classification: Likely benign for PKD1-related condition. Last evaluated: 2026-09-22. Review status: criteria provided, single submitter. Criteria: ACMG Guidelines, 2015. Collection method: clinical testing. Allele origin: germline.
Comment: This variant is classified as likely benign based on ACMG/AMP sequence variant interpretation guidelines (Richards et al. 2015 PMID: 25741868, with internal and published modifications).

NM_001009944.3(PKD1):c.3162-10G>A

Gene: PKD1 (polycystin 1, transient receptor potential channel interacting; minus strand). Cytogenetic location: 16p13.3.
Variant type: single nucleotide variant.
Coding change: c.3162-10G>A on transcript NM_001009944.3 (MANE Select); 10 bases into the intron before coding-DNA position 3162, G replaced by A.
Molecular consequence: intron variant.
Genome position (GRCh38, 1-based): chr16:2,112,483, C>T on the plus strand (G>A on the coding strand, the complement: PKD1 is on the minus strand). VCF-style: chr16-2112483-C-T. GRCh37 (hg19) VCF-style: chr16-2162484-C-T.
Other names: c.3162-10G>A (NM_000296.4).
Identifiers: ClinVar variation 4977223 (VCV004977223.1).